The following is an entry in ClinVar:

NM_015122.3(FCHO1):c.2173G>A (p.Ala725Thr)

Gene: FCHO1 (FCH and mu domain containing endocytic adaptor 1; plus strand). Cytogenetic location: 19p13.11.
Variant type: single nucleotide variant.
Coding change: c.2173G>A on transcript NM_015122.3 (MANE Select); coding-DNA position 2173, G replaced by A.
Protein change: p.Ala725Thr; replaces alanine 725 with threonine.
Molecular consequence: missense variant. On other transcripts: non-coding transcript variant (35), intron variant (2).
Genome position (GRCh38, 1-based): chr19:17,784,182, G>A. VCF-style: chr19-17784182-G-A. GRCh37 (hg19) VCF-style: chr19-17894991-G-A.
Other names: c.2173G>A (NM_001161357.1); c.2173G>A, p.Ala725Thr (NM_001161357.2, NM_001161358.2, NM_001384370.1 and 13 more transcripts); c.2023G>A, p.Ala675Thr (NM_001161359.2, NM_001384384.1, NM_001384385.1 and 1 more transcripts); c.2134G>A, p.Ala712Thr (NM_001384388.1, NM_001384389.1); c.2098G>A, p.Ala700Thr (NM_001384390.1); c.2056G>A, p.Ala686Thr (NM_001384392.1, NM_001384393.1, NM_001384394.1 and 1 more transcripts); c.1897G>A, p.Ala633Thr (NM_001384396.1, NM_001384397.1, NM_001384398.1 and 5 more transcripts); c.1852G>A, p.Ala618Thr (NM_001384403.1); and 3 more; short protein forms A700T, A583T, A618T, A633T, A675T, A712T, A686T, A725T.
Identifiers: ClinVar variation 1373561 (VCV001373561.10), dbSNP rs142019469, ClinGen allele CA9300780.

ClinVar aggregate classification (germline): Uncertain significance. Review status: criteria provided, multiple submitters, no conflicts (2 of 4 stars). 4 submissions from 4 submitters: Uncertain significance (4). Last evaluated 2026-01-23.

Allele frequency attached by ClinVar (database versions not stated): gnomAD exomes 0.00003 and 0.00006; ExAC 0.00006; ESP Exome Variant Server 0.00031; gnomAD 0.00035 and 0.00038; TOPMed 0.00039; 1000 Genomes Project 0.00060; 1000 Genomes Project 30x 0.00078.
gnomAD v4.1: 90 of 1,613,948 alleles (0.0056%); highest among the groups gnomAD compares: African/African-American, 0.12%; no homozygotes.

Submissions (4):

Women's Health and Genetics/Laboratory Corporation of America, LabCorp
Classification: Uncertain significance. Last evaluated: 2026-01-23. Review status: criteria provided, single submitter. Criteria: LabCorp Variant Classification Summary - May 2015. Collection method: clinical testing. Allele origin: germline.

Labcorp Genetics (formerly Invitae), Labcorp
Classification: Uncertain significance. Last evaluated: 2025-08-23. Review status: criteria provided, single submitter. Criteria: Invitae Variant Classification Sherloc (09022015). Collection method: clinical testing. Allele origin: germline.
Comment: This sequence change replaces alanine, which is neutral and non-polar, with threonine, which is neutral and polar, at codon 725 of the FCHO1 protein (p.Ala725Thr). This variant is present in population databases (rs142019469, gnomAD 0.1%). This variant has not been reported in the literature in individuals affected with FCHO1-related conditions. ClinVar contains an entry for this variant (Variation ID: 1373561). An algorithm developed to predict the effect of missense changes on protein structure and function (PolyPhen-2) suggests that this variant is likely to be disruptive. In summary, the available evidence is currently insufficient to determine the role of this variant in disease. Therefore, it has been classified as a Variant of Uncertain Significance.

Blueprint Genetics
Classification: Uncertain significance. Last evaluated: 2024-06-05. Review status: criteria provided, single submitter. Criteria: ACMG Guidelines, 2015. Collection method: clinical testing. Allele origin: germline.

Ambry Genetics
Classification: Uncertain significance. Last evaluated: 2023-12-19. Review status: criteria provided, single submitter. Criteria: Ambry Variant Classification Scheme 2023. Collection method: clinical testing. Allele origin: germline.